The following is an entry in ClinVar:

NM_001754.5(RUNX1):c.145C>G (p.Pro49Ala)

Gene: RUNX1 (RUNX family transcription factor 1; minus strand). Cytogenetic location: 21q22.12.
Variant type: single nucleotide variant.
Coding change: c.145C>G on transcript NM_001754.5 (MANE Select); coding-DNA position 145, C replaced by G.
Protein change: p.Pro49Ala; replaces proline 49 with alanine.
Molecular consequence: missense variant.
Genome position (GRCh38, 1-based): chr21:34,887,049, G>C on the plus strand (C>G on the coding strand, the complement: RUNX1 is on the minus strand). VCF-style: chr21-34887049-G-C. GRCh37 (hg19) VCF-style: chr21-36259346-G-C.
Other names: NM_001754.5(RUNX1):c.145C>G; p.Pro49Ala; c.64C>G, p.Pro22Ala (NM_001001890.3, NM_001122607.2); short protein forms P22A, P49A.
Identifiers: ClinVar variation 2814028 (VCV002814028.5), dbSNP rs755793721, ClinGen allele CA10014584.

ClinVar aggregate classification (germline): Uncertain significance. Review status: reviewed by expert panel (3 of 4 stars). 3 submissions from 3 submitters: Uncertain significance (1). 2 of the submissions do not count toward it. Last evaluated 2024-09-16.

Conditions:
Inborn genetic diseases. Identifiers: MedGen C0950123, MeSH D030342.
Hereditary thrombocytopenia and hematological cancer predisposition syndrome associated with RUNX1. Also called: Familial Platelet Disorder with Propensity to Acute Myelogenous Leukemia; Familial thrombocytopenia with propensity to acute myelogenous leukemia; PLATELET DISORDER, ASPIRIN-LIKE; RUNX1 Familial Platelet Disorder with Associated Myeloid Malignancies. Identifiers: Orphanet 71290, MedGen C1832388, MeSH C563324, MONDO:0100083, OMIM 601399.
Hereditary thrombocytopenia and hematologic cancer predisposition syndrome. Identifiers: Orphanet 71290, MedGen CN281654, MONDO:0011071.

Allele frequency attached by ClinVar (database versions not stated): ExAC 0.00002.
gnomAD v4.1: 2 of 1,600,730 alleles (0.00012%); highest among the groups gnomAD compares: Non-Finnish European, 0.00017%; no homozygotes.

Submissions (3):

ClinGen Myeloid Malignancy Variant Curation Expert Panel
Classification: Uncertain significance for Hereditary thrombocytopenia and hematologic cancer predisposition syndrome. Last evaluated: 2024-09-16. Review status: reviewed by expert panel. Criteria: ClinGen MyeloMalig ACMG Specifications v2. Collection method: curation. Allele origin: germline. Inheritance: Autosomal dominant inheritance.
Comment: NM_001754.5(RUNX1):c.145C>G (p.Pro49Ala) is a missense variant which has a REVEL score < 0.50 (0.496), and a SpliceAI score ≤ 0.20 (0.0) (BP4). This variant is completely absent from all population databases with at least 20x coverage for RUNX1 (PM2_Supporting). In summary, the clinical significance of this variant is uncertain. ACMG/AMP criteria applied, as specified by the Myeloid Malignancy Variant Curation Expert Panel for RUNX1: PM2_supporting, BP4.

Ambry Genetics
Classification: Uncertain significance for Inborn genetic diseases. Last evaluated: 2025-05-02. Review status: criteria provided, single submitter. Criteria: Ambry Variant Classification Scheme 2023. Collection method: clinical testing. Allele origin: germline. Not counted in ClinVar's aggregate classification.
Comment: The p.P49A variant (also known as c.145C>G), located in coding exon 3 of the RUNX1 gene, results from a C to G substitution at nucleotide position 145. The proline at codon 49 is replaced by alanine, an amino acid with highly similar properties. This amino acid position is conserved. In addition, the in silico prediction for this alteration is inconclusive. Based on the available evidence, the clinical significance of this variant remains unclear.

Labcorp Genetics (formerly Invitae), Labcorp
Classification: Uncertain significance for Hereditary thrombocytopenia and hematological cancer predisposition syndrome associated with RUNX1. Last evaluated: 2022-11-13. Review status: criteria provided, single submitter. Criteria: Invitae Variant Classification Sherloc (09022015). Collection method: clinical testing. Allele origin: germline. Not counted in ClinVar's aggregate classification.
Comment: This sequence change replaces proline, which is neutral and non-polar, with alanine, which is neutral and non-polar, at codon 49 of the RUNX1 protein (p.Pro49Ala). This variant is present in population databases (rs755793721, gnomAD 0.002%). This variant has not been reported in the literature in individuals affected with RUNX1-related conditions. Algorithms developed to predict the effect of missense changes on protein structure and function (SIFT, PolyPhen-2, Align-GVGD) all suggest that this variant is likely to be tolerated. In summary, the available evidence is currently insufficient to determine the role of this variant in disease. Therefore, it has been classified as a Variant of Uncertain Significance.